The following is an entry in ClinVar:

ClinVar aggregate classification (germline): Uncertain significance (1 of 4 stars; one submission).

Conditions:
Charcot-Marie-Tooth disease type 2. Also called: Charcot-Marie-Tooth type 2. Identifiers: Orphanet 64746, MedGen C0270914, MONDO:0018993.

Submission:

Labcorp Genetics (formerly Invitae), Labcorp
Classification: Uncertain significance for Charcot-Marie-Tooth disease type 2. Last evaluated: 2025-11-01. Review status: criteria provided, single submitter. Criteria: Invitae Variant Classification Sherloc (09022015). Collection method: clinical testing. Allele origin: germline.
Comment: This sequence change creates a premature translational stop signal (p.Glu170*) in the KIF1B gene. It is expected to result in an absent or disrupted protein product. However, the current clinical and genetic evidence is not sufficient to establish whether loss-of-function variants in KIF1B cause disease. This variant is not present in population databases (gnomAD no frequency). This variant has not been reported in the literature in individuals affected with KIF1B-related conditions. In summary, the available evidence is currently insufficient to determine the role of this variant in disease. Therefore, it has been classified as a Variant of Uncertain Significance.

NM_001365951.3(KIF1B):c.507dup (p.Glu170Ter)

Gene: KIF1B (kinesin family member 1B; plus strand). Cytogenetic location: 1p36.22.
Variant type: Duplication.
Coding change: c.507dup on transcript NM_001365951.3 (MANE Select); coding-DNA position 507, one base duplicated (T; older notation c.507dupT).
Protein change: p.Glu170Ter; replaces glutamic acid 170 with a stop codon.
Molecular consequence: nonsense.
Genome position (GRCh38, 1-based): chr1:10,267,457, T duplicated. VCF-style (leftmost placement, unchanged base first): chr1-10267456-G-GT. GRCh37 (hg19) VCF-style: chr1-10327514-G-GT.
Other names: c.507dup, p.Glu170Ter (NM_001365952.1, NM_001365953.1, NM_015074.3 and 1 more transcripts); short protein forms E170*.
Identifiers: ClinVar variation 4702902 (VCV004702902.1).